The following is an entry in ClinVar:

NM_001903.5(CTNNA1):c.2582_2584dup (p.Met861_Lys862insMet)

Gene: CTNNA1 (catenin alpha 1; plus strand). Cytogenetic location: 5q31.2.
Variant type: Duplication.
Coding change: c.2582_2584dup on transcript NM_001903.5 (MANE Select); coding-DNA positions 2582 to 2584, 3 bases duplicated (TGA; older notation c.2582_2584dupTGA).
Protein change: p.Met861_Lys862insMet.
Molecular consequence: inframe insertion. On other transcripts: 3 prime UTR variant (5).
Genome position (GRCh38, 1-based): chr5:138,933,950-138,933,952, TGA duplicated; duplicating any 3 consecutive bases within chr5:138,933,948-138,933,952 gives the same sequence; the c. name uses the placement nearest the transcript's 3' end. VCF-style (leftmost placement, unchanged base first): chr5-138933947-A-AGAT. GRCh37 (hg19) VCF-style: chr5-138269636-A-AGAT.
Other names: c.*127_*129dup (NM_001290307.3, NM_001324002.1, NM_001324003.1 and 2 more transcripts); c.2273_2275dup, p.Met758_Lys759insMet (NM_001290309.3); c.2213_2215dup, p.Met738_Lys739insMet (NM_001290310.3); c.1472_1474dup, p.Met491_Lys492insMet (NM_001290312.1, NM_001323987.1, NM_001323988.1 and 12 more transcripts); c.2582_2584dup, p.Met861_Lys862insMet (NM_001323982.2, NM_001323983.1, NM_001323984.2); c.2555_2557dup, p.Met852_Lys853insMet (NM_001323985.2); c.2489_2491dup, p.Met830_Lys831insMet (NM_001323986.2); c.1337_1339dup, p.Met446_Lys447insMet (NM_001324001.1); and 3 more.
Identifiers: ClinVar variation 2708108 (VCV002708108.3), dbSNP rs2533952813, ClinGen allele CA2697546520.

ClinVar aggregate classification (germline): Uncertain significance (1 of 4 stars; one submission).

Submission:

Labcorp Genetics (formerly Invitae), Labcorp
Classification: Uncertain significance. Last evaluated: 2024-01-07. Review status: criteria provided, single submitter. Criteria: Invitae Variant Classification Sherloc (09022015). Collection method: clinical testing. Allele origin: germline.
Comment: This variant, c.2582_2584dup, results in the insertion of 1 amino acid(s) of the CTNNA1 protein (p.Met861dup), but otherwise preserves the integrity of the reading frame. This variant is not present in population databases (gnomAD no frequency). This variant has not been reported in the literature in individuals affected with CTNNA1-related conditions. In summary, the available evidence is currently insufficient to determine the role of this variant in disease. Therefore, it has been classified as a Variant of Uncertain Significance.